The following is an entry in ClinVar:

NM_001276270.2(MBD4):c.835G>A (p.Ala279Thr)

Gene: MBD4 (methyl-CpG binding domain 4, DNA glycosylase; minus strand). Cytogenetic location: 3q21.3.
Variant type: single nucleotide variant.
Coding change: c.835G>A on transcript NM_001276270.2 (MANE Select); coding-DNA position 835, G replaced by A.
Protein change: p.Ala279Thr; replaces alanine 279 with threonine.
Molecular consequence: missense variant. On other transcripts: intron variant (1).
Genome position (GRCh38, 1-based): chr3:129,436,809, C>T on the plus strand (G>A on the coding strand, the complement: MBD4 is on the minus strand). VCF-style: chr3-129436809-C-T. GRCh37 (hg19) VCF-style: chr3-129155652-C-T.
Other names: c.835G>A, p.Ala279Thr (NM_001276271.2, NM_001276272.2, NM_003925.3); c.247+999G>A (NM_001276273.2); short protein forms A279T.
Identifiers: ClinVar variation 2777067 (VCV002777067.4), dbSNP rs1376853099, ClinGen allele CA354467149.

ClinVar aggregate classification (germline): Uncertain significance. Review status: criteria provided, multiple submitters, no conflicts (2 of 4 stars). 2 submissions from 2 submitters: Uncertain significance (2). Last evaluated 2025-10-17.

Conditions:
Inborn genetic diseases. Identifiers: MedGen C0950123, MeSH D030342.

Allele frequency attached by ClinVar (database versions not stated): TOPMed 0.00001.
gnomAD v4.1: 8 of 1,614,130 alleles (0.0005%); highest among the groups gnomAD compares: East Asian, 0.013%; no homozygotes.

Submissions (2):

Labcorp Genetics (formerly Invitae), Labcorp
Classification: Uncertain significance. Last evaluated: 2025-10-17. Review status: criteria provided, single submitter. Criteria: Invitae Variant Classification Sherloc (09022015). Collection method: clinical testing. Allele origin: germline.
Comment: This sequence change replaces alanine, which is neutral and non-polar, with threonine, which is neutral and polar, at codon 279 of the MBD4 protein (p.Ala279Thr). This variant is present in population databases (no rsID available, gnomAD 0.02%). This variant has not been reported in the literature in individuals affected with MBD4-related conditions. ClinVar contains an entry for this variant (Variation ID: 2777067). An algorithm developed to predict the effect of missense changes on protein structure and function outputs the following: PolyPhen-2: "Benign". The threonine amino acid residue is found in multiple mammalian species, which suggests that this missense change does not adversely affect protein function. In summary, the available evidence is currently insufficient to determine the role of this variant in disease. Therefore, it has been classified as a Variant of Uncertain Significance.

Ambry Genetics
Classification: Uncertain significance for Inborn genetic diseases. Last evaluated: 2024-09-13. Review status: criteria provided, single submitter. Criteria: Ambry Variant Classification Scheme 2023. Collection method: clinical testing. Allele origin: germline.
Comment: The p.A279T variant (also known as c.835G>A), located in coding exon 3 of the MBD4 gene, results from a G to A substitution at nucleotide position 835. The alanine at codon 279 is replaced by threonine, an amino acid with similar properties. This amino acid position is conserved. In addition, this alteration is predicted to be tolerated by in silico analysis. Based on the available evidence, the clinical significance of this variant remains unclear.